The following is an entry in ClinVar:

ClinVar aggregate classification (germline): Pathogenic (1 of 4 stars; one submission).

Conditions:
Early-infantile DEE. Also called: Early infantile epileptic encephalopathy; Early infantile epileptic encephalopathy with suppression bursts; Ohtahara syndrome. Identifiers: Orphanet 1934, MedGen C0393706, MONDO:0800491.

Submission:

Labcorp Genetics (formerly Invitae), Labcorp
Classification: Pathogenic for Early-infantile DEE. Last evaluated: 2023-07-30. Review status: criteria provided, single submitter. Criteria: Invitae Variant Classification Sherloc (09022015). Collection method: clinical testing. Allele origin: germline.
Comment: For these reasons, this variant has been classified as Pathogenic. This variant disrupts the p.Ala175 amino acid residue in SCN1A. Other variant(s) that disrupt this residue have been determined to be pathogenic (PMID: 17347258, 19589774). This suggests that this residue is clinically significant, and that variants that disrupt this residue are likely to be disease-causing. Advanced modeling of protein sequence and biophysical properties (such as structural, functional, and spatial information, amino acid conservation, physicochemical variation, residue mobility, and thermodynamic stability) performed at Invitae indicates that this missense variant is expected to disrupt SCN1A protein function. This missense change has been observed in individual(s) with epilepsy (PMID: 18930999, 31139143). In at least one individual the variant was observed to be de novo. This variant is not present in population databases (gnomAD no frequency). This sequence change replaces alanine, which is neutral and non-polar, with valine, which is neutral and non-polar, at codon 175 of the SCN1A protein (p.Ala175Val).

Literature cited by the submitters: PubMed 17347258; PubMed 19589774; PubMed 18930999; PubMed 31139143.

NM_001165963.4(SCN1A):c.524C>T (p.Ala175Val)

Gene: SCN1A (sodium voltage-gated channel alpha subunit 1; minus strand). Cytogenetic location: 2q24.3.
Variant type: single nucleotide variant.
Coding change: c.524C>T on transcript NM_001165963.4 (MANE Select); coding-DNA position 524, C replaced by T.
Protein change: p.Ala175Val; replaces alanine 175 with valine.
Molecular consequence: missense variant. On other transcripts: 5 prime UTR variant (1), non-coding transcript variant (1).
Genome position (GRCh38, 1-based): chr2:166,054,716, G>A on the plus strand (C>T on the coding strand, the complement: SCN1A is on the minus strand). VCF-style: chr2-166054716-G-A. GRCh37 (hg19) VCF-style: chr2-166911226-G-A.
Other names: c.524C>T, p.Ala175Val (NM_001165964.3, NM_001202435.3, NM_001353948.2 and 10 more transcripts); c.-1902C>T (NM_001353961.2); short protein forms A175V.
Identifiers: ClinVar variation 2734318 (VCV002734318.3), dbSNP rs2468247268, ClinGen allele CA349075551.